The following is an entry in ClinVar:

NM_005654.6(NR2F1):c.916G>A (p.Val306Met)

Gene: NR2F1 (nuclear receptor subfamily 2 group F member 1; plus strand). Cytogenetic location: 5q15.
Variant type: single nucleotide variant.
Coding change: c.916G>A on transcript NM_005654.6 (MANE Select); coding-DNA position 916, G replaced by A.
Protein change: p.Val306Met; replaces valine 306 with methionine.
Molecular consequence: missense variant.
Genome position (GRCh38, 1-based): chr5:93,588,369, G>A. VCF-style: chr5-93588369-G-A. GRCh37 (hg19) VCF-style: chr5-92924075-G-A.
Other names: short protein forms V306M.
Identifiers: ClinVar variation 1321279 (VCV001321279.1), dbSNP rs2149943146, ClinGen allele CA360527367.

ClinVar aggregate classification (germline): Uncertain significance (1 of 4 stars; one submission).

Conditions:
Bosch-Boonstra-Schaaf optic atrophy syndrome (BBSOAS). Also called: NR2F1-Related Neurodevelopmental Disorder. Identifiers: Orphanet 401777, MedGen C3810363, MONDO:0014320, OMIM 615722.

gnomAD v4.1: 2 of 1,613,052 alleles (0.00012%); highest among the groups gnomAD compares: Non-Finnish European, 0.00017%; no homozygotes.

Submission:

3billion
Classification: Uncertain significance for Bosch-Boonstra-Schaaf optic atrophy syndrome. Last evaluated: 2021-10-25. Review status: criteria provided, single submitter. Criteria: ACMG Guidelines, 2015. Collection method: clinical testing. Allele origin: unknown. Affected: yes. Observed: 1 heterozygote.
Comment: This varant is not observed in the gnomAD v2.1.1 dataset (PM2). In silico tool predictions suggest damaging effect of the variant on gene or gene product (REVEL: 0.826, PP3). Therefore, this variant is classified as uncertain significance according to the recommendation of ACMG/AMP guideline.